The following is an entry in ClinVar:

ClinVar aggregate classification (germline): Uncertain significance (1 of 4 stars; one submission).

Conditions:
Dilated cardiomyopathy 1G (CMD1G). Identifiers: Orphanet 154, MedGen C1858763, MONDO:0011400, OMIM 604145.
Autosomal recessive limb-girdle muscular dystrophy type 2J (LGMDR10). Also called: Limb-girdle muscular dystrophy, type 2J; MUSCULAR DYSTROPHY, LIMB-GIRDLE, AUTOSOMAL RECESSIVE 10. Identifiers: Orphanet 140922, MedGen C1837342, MONDO:0012127, OMIM 608807.

Allele frequency attached by ClinVar (database versions not stated): gnomAD exomes below 0.00001.
gnomAD v4.1: 3 of 1,613,954 alleles (0.00019%); highest among the groups gnomAD compares: South Asian, 0.0022%; no homozygotes.

Submission:

Labcorp Genetics (formerly Invitae), Labcorp
Classification: Uncertain significance for Dilated cardiomyopathy 1G; Autosomal recessive limb-girdle muscular dystrophy type 2J. Last evaluated: 2020-05-28. Review status: criteria provided, single submitter. Criteria: Invitae Variant Classification Sherloc (09022015). Collection method: clinical testing. Allele origin: germline.
Comment: This variant is not present in population databases (ExAC no frequency). This sequence change replaces methionine with isoleucine at codon 35877 of the TTN protein (p.Met35877Ile). There is a small physicochemical difference between methionine and isoleucine. This variant has not been reported in the literature in individuals with TTN-related conditions. In summary, the available evidence is currently insufficient to determine the role of this variant in disease. Therefore, it has been classified as a Variant of Uncertain Significance. This variant is located in the M band of TTN (PMID: 25589632). Variants in this region may be relevant for neuromuscular disorders, but have not been definitively shown to cause cardiomyopathy (PMID: 23975875). Algorithms developed to predict the effect of missense changes on protein structure and function are unavailable for the TTN gene.

Literature cited by the submitters: PubMed 25589632; PubMed 23975875.

NM_001267550.2(TTN):c.107631G>A (p.Met35877Ile)

Genes: TTN-AS1 (TTN antisense RNA 1; plus strand), TTN (titin; minus strand). Cytogenetic location: 2q31.2.
Variant type: single nucleotide variant.
Coding change: c.107631G>A on transcript NM_001267550.2 (MANE Select); coding-DNA position 107631, G replaced by A.
Protein change: p.Met35877Ile; replaces methionine 35877 with isoleucine.
Molecular consequence: missense variant.
Genome position (GRCh38, 1-based): chr2:178,527,495, C>T on the plus strand (G>A on the coding strand, the complement: TTN is on the minus strand). VCF-style: chr2-178527495-C-T. GRCh37 (hg19) VCF-style: chr2-179392222-C-T.
Other names: c.102708G>A, p.Met34236Ile (NM_001256850.1); c.80436G>A, p.Met26812Ile (NM_003319.4); c.99927G>A, p.Met33309Ile (NM_133378.4); c.80811G>A, p.Met26937Ile (NM_133432.3); c.81012G>A, p.Met27004Ile (NM_133437.4); short protein forms M26812I, M26937I, M27004I, M33309I, M34236I, M35877I.
Identifiers: ClinVar variation 1003924 (VCV001003924.7), dbSNP rs1686957619, ClinGen allele CA349399881.